The following is an entry in ClinVar:

ClinVar aggregate classification (germline): Uncertain significance (1 of 4 stars; one submission).

Conditions:
Autosomal recessive severe congenital neutropenia due to JAGN1 deficiency. Also called: Severe congenital neutropenia 6, autosomal recessive. Identifiers: Orphanet 423384, MedGen C4014954, MONDO:0014456, OMIM 616022.

Submission:

Labcorp Genetics (formerly Invitae), Labcorp
Classification: Uncertain significance for Autosomal recessive severe congenital neutropenia due to JAGN1 deficiency. Last evaluated: 2022-10-24. Review status: criteria provided, single submitter. Criteria: Invitae Variant Classification Sherloc (09022015). Collection method: clinical testing. Allele origin: germline.
Comment: This variant results in a copy number gain of the genomic region encompassing exon(s) 1 of the JAGN1 gene. This region includes the initiator codon of the gene. This copy number gain extends beyond the assayed region for this gene and therefore may encompass additional genes. As the precise location of this event is unknown, it may be in tandem or it may be located elsewhere in the genome. This variant has not been reported in the literature in individuals affected with JAGN1-related conditions. Experimental studies and prediction algorithms are not available or were not evaluated, and the functional significance of this variant is currently unknown. In summary, the available evidence is currently insufficient to determine the role of this variant in disease. Therefore, it has been classified as a Variant of Uncertain Significance.

NC_000003.11:g.(?_9908818)_(9932515_?)dup

Genes: CIDEC (cell death inducing DFFA like effector c; minus strand), JAGN1 (jagunal homolog 1; plus strand). Cytogenetic location: 3p25.3.
Variant type: Duplication.
Identifiers: ClinVar variation 2427040 (VCV002427040.3).